The following is an entry in ClinVar:

NM_000057.4(BLM):c.1838C>T (p.Thr613Ile)

Gene: BLM (BLM RecQ like helicase; plus strand). Cytogenetic location: 15q26.1.
Variant type: single nucleotide variant.
Coding change: c.1838C>T on transcript NM_000057.4 (MANE Select); coding-DNA position 1838, C replaced by T.
Protein change: p.Thr613Ile; replaces threonine 613 with isoleucine.
Molecular consequence: missense variant.
Genome position (GRCh38, 1-based): chr15:90,761,211, C>T. VCF-style: chr15-90761211-C-T. GRCh37 (hg19) VCF-style: chr15-91304441-C-T.
Other names: c.1838C>T, p.Thr613Ile (NM_001287246.2, NM_001287247.2); c.713C>T, p.Thr238Ile (NM_001287248.2); short protein forms T613I, T238I.
Identifiers: ClinVar variation 580108 (VCV000580108.19), dbSNP rs550417200, ClinGen allele CA7738591.

ClinVar aggregate classification (germline): Uncertain significance. Review status: criteria provided, multiple submitters, no conflicts (2 of 4 stars). 5 submissions from 5 submitters: Uncertain significance (4). 1 of the submissions does not count toward it. Last evaluated 2026-05-15.

Conditions:
Bloom syndrome (BLM). Also called: Bloom-Torre-Machacek syndrome. Identifiers: Orphanet 125, MedGen C0005859, MONDO:0008876, OMIM 210900.
Hereditary cancer-predisposing syndrome. Also called: Tumor predisposition; Hereditary Cancer Syndrome; Neoplastic Syndromes, Hereditary; Hereditary neoplastic syndrome. Identifiers: Orphanet 140162, MedGen C0027672, MeSH D009386, MONDO:0015356.

Allele frequency attached by ClinVar (database versions not stated): ExAC 0.00001; gnomAD exomes 0.00003 and 0.00001; gnomAD 0.00006; 1000 Genomes Project 30x 0.00016; TOPMed 0.00005; 1000 Genomes Project 0.00020.
gnomAD v4.1: 20 of 1,533,864 alleles (0.0013%); highest among the groups gnomAD compares: African/African-American, 0.024%; no homozygotes.

Submissions (5):

Women's Health and Genetics/Laboratory Corporation of America, LabCorp
Classification: Uncertain significance. Last evaluated: 2026-05-15. Review status: criteria provided, single submitter. Criteria: LabCorp Variant Classification Summary - May 2015. Collection method: clinical testing. Allele origin: germline.

Labcorp Genetics (formerly Invitae), Labcorp
Classification: Uncertain significance for Bloom syndrome. Last evaluated: 2025-12-16. Review status: criteria provided, single submitter. Criteria: Invitae Variant Classification Sherloc (09022015). Collection method: clinical testing. Allele origin: germline.
Comment: This sequence change replaces threonine, which is neutral and polar, with isoleucine, which is neutral and non-polar, at codon 613 of the BLM protein (p.Thr613Ile). This variant is present in population databases (rs550417200, gnomAD 0.02%). This variant has not been reported in the literature in individuals affected with BLM-related conditions. ClinVar contains an entry for this variant (Variation ID: 580108). Invitae Evidence Modeling of protein sequence and biophysical properties (such as structural, functional, and spatial information, amino acid conservation, physicochemical variation, residue mobility, and thermodynamic stability) indicates that this missense variant is not expected to disrupt BLM protein function with a negative predictive value of 80%. In summary, the available evidence is currently insufficient to determine the role of this variant in disease. Therefore, it has been classified as a Variant of Uncertain Significance.

Ambry Genetics
Classification: Uncertain significance for Hereditary cancer-predisposing syndrome. Last evaluated: 2023-05-16. Review status: criteria provided, single submitter. Criteria: Ambry Variant Classification Scheme 2023. Collection method: clinical testing. Allele origin: germline.
Comment: The p.T613I variant (also known as c.1838C>T), located in coding exon 6 of the BLM gene, results from a C to T substitution at nucleotide position 1838. The threonine at codon 613 is replaced by isoleucine, an amino acid with similar properties. This alteration was identified in 1/1358 non-cancer control individuals and in 0/57 cases, in a study looking at cancer predisposition mutations in patients with cutaneous melanoma and a history of at least two additional non-cutaneous melanoma primary cancers (Pritchard AL et al. PLoS One, 2018 Apr;13:e0194098). This amino acid position is not well conserved in available vertebrate species. In addition, this alteration is predicted to be tolerated by in silico analysis. Since supporting evidence is limited at this time, the clinical significance of this alteration remains unclear.

GeneDx
Classification: Uncertain significance. Last evaluated: 2020-02-25. Review status: criteria provided, single submitter. Criteria: GeneDx Variant Classification Process June 2021. Collection method: clinical testing. Allele origin: germline. Affected: yes.
Comment: In silico analysis supports that this missense variant does not alter protein structure/function; Has not been previously published as pathogenic or benign to our knowledge

Natera, Inc.
Classification: Uncertain significance for Bloom syndrome. Last evaluated: 2018-09-26. Review status: no assertion criteria provided. Collection method: clinical testing. Allele origin: germline. Not counted in ClinVar's aggregate classification.

Literature cited by the submitters: PubMed 29641532 (cited by Ambry Genetics).